The following is an entry in ClinVar:

NM_005585.5(SMAD6):c.1391T>C (p.Val464Ala)

Gene: SMAD6 (SMAD family member 6; plus strand). Cytogenetic location: 15q22.31.
Variant type: single nucleotide variant.
Coding change: c.1391T>C on transcript NM_005585.5 (MANE Select); coding-DNA position 1391, T replaced by C.
Protein change: p.Val464Ala; replaces valine 464 with alanine.
Molecular consequence: missense variant. On other transcripts: non-coding transcript variant (1).
Genome position (GRCh38, 1-based): chr15:66,781,435, T>C. VCF-style: chr15-66781435-T-C. GRCh37 (hg19) VCF-style: chr15-67073773-T-C.
Other names: short protein forms V464A.
Identifiers: ClinVar variation 2710003 (VCV002710003.3), dbSNP rs2541899708, ClinGen allele CA393202437.
Genomic context (GRCh38, chr15:66,781,435, plus strand): 5'-CGGGCCTGCAGCACGCGCCCGAGCCCGACGCCGCCGACGGCCCCTACGACCCCAACAGCG[T>C]CCGCATCAGCTTCGCCAAGGGCTGGGGGCCCTGCTACTCCCGGCAGTTCATCACCTCCTG-3'
Protein context (NP_005576.3, residues 454-474): AADGPYDPNS[Val464Ala]RISFAKGWGP

ClinVar aggregate classification (germline): Uncertain significance (1 of 4 stars; one submission).

Conditions:
Aortic valve disease 2 (AOVD2). Identifiers: MedGen C3542024, MONDO:0013902, OMIM 614823.

Submission:

Labcorp Genetics (formerly Invitae), Labcorp
Classification: Uncertain significance for Aortic valve disease 2. Last evaluated: 2024-01-18. Review status: criteria provided, single submitter. Criteria: Invitae Variant Classification Sherloc (09022015). Collection method: clinical testing. Allele origin: germline.
Comment: This sequence change replaces valine, which is neutral and non-polar, with alanine, which is neutral and non-polar, at codon 464 of the SMAD6 protein (p.Val464Ala). This variant is not present in population databases (gnomAD no frequency). This variant has not been reported in the literature in individuals affected with SMAD6-related conditions. Advanced modeling of protein sequence and biophysical properties (such as structural, functional, and spatial information, amino acid conservation, physicochemical variation, residue mobility, and thermodynamic stability) has been performed at Invitae for this missense variant, however the output from this modeling did not meet the statistical confidence thresholds required to predict the impact of this variant on SMAD6 protein function. In summary, the available evidence is currently insufficient to determine the role of this variant in disease. Therefore, it has been classified as a Variant of Uncertain Significance.